The following is an entry in ClinVar:

ClinVar aggregate classification (germline): Uncertain significance. Review status: criteria provided, multiple submitters, no conflicts (2 of 4 stars). 2 submissions from 2 submitters: Uncertain significance (2). Last evaluated 2025-12-23.

Conditions:
Wolcott-Rallison dysplasia. Also called: Wolcott-Rallison syndrome; MED-IDDM SYNDROME. Identifiers: Orphanet 1667, MedGen C0432217, MONDO:0009192, OMIM 226980.

Allele frequency attached by ClinVar (database versions not stated): gnomAD exomes 0.00019; ExAC 0.00032.
gnomAD v4.1: 74 of 1,441,954 alleles (0.0051%); highest among the groups gnomAD compares: Non-Finnish European, 0.001%; no homozygotes.

Submissions (2):

Labcorp Genetics (formerly Invitae), Labcorp
Classification: Uncertain significance. Last evaluated: 2025-12-23. Review status: criteria provided, single submitter. Criteria: Invitae Variant Classification Sherloc (09022015). Collection method: clinical testing. Allele origin: germline.
Comment: This sequence change replaces glycine, which is neutral and non-polar, with arginine, which is basic and polar, at codon 35 of the EIF2AK3 protein (p.Gly35Arg). This variant is present in population databases (rs776456569, gnomAD 0.2%). This variant has not been reported in the literature in individuals affected with EIF2AK3-related conditions. ClinVar contains an entry for this variant (Variation ID: 1509646). Experimental studies and prediction algorithms are not available or were not evaluated, and the functional significance of this variant is currently unknown. In summary, the available evidence is currently insufficient to determine the role of this variant in disease. Therefore, it has been classified as a Variant of Uncertain Significance.

Fulgent Genetics
Classification: Uncertain significance for Wolcott-Rallison dysplasia. Last evaluated: 2022-02-10. Review status: criteria provided, single submitter. Criteria: ACMG Guidelines, 2015. Collection method: clinical testing. Allele origin: unknown.

NM_004836.7(EIF2AK3):c.103G>C (p.Gly35Arg)

Gene: EIF2AK3 (eukaryotic translation initiation factor 2 alpha kinase 3; minus strand). Cytogenetic location: 2p11.2.
Variant type: single nucleotide variant.
Coding change: c.103G>C on transcript NM_004836.7 (MANE Select); coding-DNA position 103, G replaced by C.
Protein change: p.Gly35Arg; replaces glycine 35 with arginine.
Molecular consequence: missense variant.
Genome position (GRCh38, 1-based): chr2:88,627,172, C>G on the plus strand (G>C on the coding strand, the complement: EIF2AK3 is on the minus strand). VCF-style: chr2-88627172-C-G. GRCh37 (hg19) VCF-style: chr2-88926690-C-G.
Other names: short protein forms G35R.
Identifiers: ClinVar variation 1509646 (VCV001509646.7), dbSNP rs776456569, ClinGen allele CA1755010.